The following is an entry in ClinVar:

ClinVar aggregate classification (germline): Likely benign (0 of 4 stars; one submission).

Conditions:
CNTN3-related disorder. Also called: CNTN3-related condition.

Allele frequency attached by ClinVar (database versions not stated): gnomAD 0.00009; gnomAD exomes 0.00010; TOPMed 0.00020; ExAC 0.00041.
gnomAD v4.1: 156 of 1,613,390 alleles (0.0097%); highest among the groups gnomAD compares: Admixed American, 0.22%; 1 homozygote.

Submission:

PreventionGenetics, part of Exact Sciences
Classification: Likely benign for CNTN3-related condition. Last evaluated: 2019-10-28. Review status: no assertion criteria provided. Collection method: clinical testing. Allele origin: germline.
Comment: This variant is classified as likely benign based on ACMG/AMP sequence variant interpretation guidelines (Richards et al. 2015 PMID: 25741868, with internal and published modifications).

NM_020872.3(CNTN3):c.1548C>T (p.Ser516=)

Gene: CNTN3 (contactin 3; minus strand). Cytogenetic location: 3p12.3.
Variant type: single nucleotide variant.
Coding change: c.1548C>T on transcript NM_020872.3 (MANE Select); coding-DNA position 1548, C replaced by T.
Protein change: p.Ser516=; no amino-acid change (serine 516 retained).
Molecular consequence: synonymous variant.
Genome position (GRCh38, 1-based): chr3:74,334,855, G>A on the plus strand (C>T on the coding strand, the complement: CNTN3 is on the minus strand). VCF-style: chr3-74334855-G-A. GRCh37 (hg19) VCF-style: chr3-74384006-G-A.
Other names: c.1548C>T, p.Ser516= (NM_001393376.1).
Identifiers: ClinVar variation 3033892 (VCV003033892.2), dbSNP rs778468338, ClinGen allele CA2495199.
Genomic context (GRCh38, chr3:74,334,855, plus strand): 5'-ATACCAGGTAAAGATGATGTCTAACAGCGGGTCATGTTGTACCTGGCAGGGCAATATGAC[G>A]CTTTCACCAACAGAAACATCCATGTTAGATGGTGCCAAAGTTATTCTTGTTGGTTCTATT-3'
Protein context (NP_065923.1, residues 506-526): PSNMDVSVGE[Ser516=]VILPCQVQHD